The following is an entry in ClinVar:

NM_001199799.2(ILDR1):c.255C>T (p.Gly85=)

Gene: ILDR1 (immunoglobulin like domain containing receptor 1; minus strand). Cytogenetic location: 3q13.33.
Variant type: single nucleotide variant.
Coding change: c.255C>T on transcript NM_001199799.2 (MANE Select); coding-DNA position 255, C replaced by T.
Protein change: p.Gly85=; no amino-acid change (glycine 85 retained).
Molecular consequence: synonymous variant.
Genome position (GRCh38, 1-based): chr3:122,005,368, G>A on the plus strand (C>T on the coding strand, the complement: ILDR1 is on the minus strand). VCF-style: chr3-122005368-G-A. GRCh37 (hg19) VCF-style: chr3-121724215-G-A.
Other names: c.255C>T, p.Gly85= (NM_001199800.2, NM_175924.4).
Identifiers: ClinVar variation 505230 (VCV000505230.4), dbSNP rs1553744679, ClinGen allele CA435250563.
Genomic context (GRCh38, chr3:122,005,368, plus strand): 5'-CCGCTGGGCCACTATGCGAACTTCCCGCTGGTTGTCGTTGCAGTCATTGGATGGGTCCTG[G>A]CCCAGGGATAAAGCTGCCTGGTATGCTGAGGAGAGAGGGCACACTAGAGTCACACAGCAA-3'
Protein context (NP_001186728.1, residues 75-95): SASYQAALSL[Gly85=]QDPSNDCNDN

ClinVar aggregate classification (germline): Likely benign (1 of 4 stars; one submission).

Allele frequency attached by ClinVar (database versions not stated): gnomAD exomes below 0.00001; TOPMed below 0.00001.
gnomAD v4.1: 7 of 1,614,178 alleles (0.00043%); highest among the groups gnomAD compares: Non-Finnish European, 0.00059%; no homozygotes.

Submission:

Laboratory for Molecular Medicine, Mass General Brigham Personalized Medicine
Classification: Likely benign. Last evaluated: 2016-08-04. Review status: criteria provided, single submitter. Criteria: LMM Criteria. Collection method: clinical testing. Allele origin: germline. Observed: 1 variant allele.
Comment: p.Gly85Gly in exon 3 of ILDR1: This variant is not expected to have clinical sig nificance because it does not alter an amino acid residue and is not located wit hin the splice consensus sequence. Although computational tools suggest that thi s variant may activate a novel splice donor site, the cytosine (C) nucleotide at position 255 is not conserved in mammals or evolutionarily distant species and 4 mammals (hamster, chinchilla, opossum, and Tasmanian devil) carry a thymine (T ) at this position, suggesting that the change is likely to be tolerated.